The following is an entry in ClinVar:

ClinVar aggregate classification (germline): Uncertain significance (1 of 4 stars; one submission).

Submission:

Labcorp Genetics (formerly Invitae), Labcorp
Classification: Uncertain significance. Last evaluated: 2022-10-25. Review status: criteria provided, single submitter. Criteria: Invitae Variant Classification Sherloc (09022015). Collection method: clinical testing. Allele origin: germline.
Comment: In summary, the available evidence is currently insufficient to determine the role of this variant in disease. Therefore, it has been classified as a Variant of Uncertain Significance. Algorithms developed to predict the effect of missense changes on protein structure and function are either unavailable or do not agree on the potential impact of this missense change (SIFT: "Not Available"; PolyPhen-2: "Benign"; Align-GVGD: "Not Available"). ClinVar contains an entry for this variant (Variation ID: 1418138). This variant has not been reported in the literature in individuals affected with MYO18B-related conditions. This variant is not present in population databases (gnomAD no frequency). This sequence change replaces valine with alanine at codon 1053 of the MYO18B protein (p.Val1053Ala). The valine residue is moderately conserved and there is a small physicochemical difference between valine and alanine.

NM_032608.7(MYO18B):c.3158T>C (p.Val1053Ala)

Gene: MYO18B (myosin XVIIIB; plus strand). Cytogenetic location: 22q12.1.
Variant type: single nucleotide variant.
Coding change: c.3158T>C on transcript NM_032608.7 (MANE Select); coding-DNA position 3158, T replaced by C.
Protein change: p.Val1053Ala; replaces valine 1053 with alanine.
Molecular consequence: missense variant.
Genome position (GRCh38, 1-based): chr22:25,835,393, T>C. VCF-style: chr22-25835393-T-C. GRCh37 (hg19) VCF-style: chr22-26231360-T-C.
Other names: c.3161T>C, p.Val1054Ala (NM_001318245.2); short protein forms V1053A, V1054A.
Identifiers: ClinVar variation 1418138 (VCV001418138.6), dbSNP rs2145950840, ClinGen allele CA411002447.